The following is an entry in ClinVar:

NM_000392.5(ABCC2):c.2801G>A (p.Arg934Gln)

Genes: ABCC2 (ATP binding cassette subfamily C member 2; plus strand), LOC126861012 (BRD4-independent group 4 enhancer GRCh37_chr10:101589748-101590947; plus strand). Cytogenetic location: 10q24.2.
Variant type: single nucleotide variant.
Coding change: c.2801G>A on transcript NM_000392.5 (MANE Select); coding-DNA position 2801, G replaced by A.
Protein change: p.Arg934Gln; replaces arginine 934 with glutamine.
Molecular consequence: missense variant.
Genome position (GRCh38, 1-based): chr10:99,830,769, G>A. VCF-style: chr10-99830769-G-A. GRCh37 (hg19) VCF-style: chr10-101590526-G-A.
Other names: c.2801G>A (NM_000392.4); short protein forms R934Q.
Identifiers: ClinVar variation 2721106 (VCV002721106.12), dbSNP rs200477714, ClinGen allele CA5643612.
Genomic context (GRCh38, chr10:99,830,769, plus strand): 5'-CTCTCAGTTCTAGGTCCAATGGCAGGCATCTGAAGTCCCTGAGAAACTCCTTGAAAACTC[G>A]GAATGTGAATAGCCTGAAGGAAGACGAAGAACTAGTGAAAGGACAAAAACTAATTAAGAA-3'
Protein context (NP_000383.2, residues 924-944): LKSLRNSLKT[Arg934Gln]NVNSLKEDEE

ClinVar aggregate classification (germline): Conflicting classifications of pathogenicity. Review status: criteria provided, conflicting classifications (1 of 4 stars). 3 submissions from 3 submitters: Uncertain significance (1); Likely benign (2). Last evaluated 2025-10-14.

Conditions:
ABCC2-related disorder. Also called: ABCC2-related condition.

Allele frequency attached by ClinVar (database versions not stated): TOPMed 0.00023; ExAC 0.00026; gnomAD 0.00038.
gnomAD v4.1: 244 of 1,614,048 alleles (0.015%); highest among the groups gnomAD compares: Middle Eastern, 0.13%; 2 homozygotes.

Submissions (3):

PreventionGenetics, part of Exact Sciences
Classification: Uncertain significance for ABCC2-related condition. Last evaluated: 2025-10-14. Review status: criteria provided, single submitter. Criteria: ACMG Guidelines, 2015. Collection method: clinical testing. Allele origin: germline.
Comment: The ABCC2 c.2801G>A variant is predicted to result in the amino acid substitution p.Arg934Gln. To our knowledge, this variant has not been reported in the literature. This variant is reported in 0.085% of alleles in individuals of South Asian descent in gnomAD. Although we suspect that this variant may be benign, at this time, the clinical significance is uncertain due to the absence of conclusive functional and genetic evidence.

Labcorp Genetics (formerly Invitae), Labcorp
Classification: Likely benign. Last evaluated: 2025-08-17. Review status: criteria provided, single submitter. Criteria: Invitae Variant Classification Sherloc (09022015). Collection method: clinical testing. Allele origin: germline.

CeGaT Center for Human Genetics Tuebingen
Classification: Likely benign. Last evaluated: 2025-06-01. Review status: criteria provided, single submitter. Criteria: CeGaT Center For Human Genetics Tuebingen Variant Classification Criteria Version 2. Collection method: clinical testing. Allele origin: germline. Affected: yes. Observed: 2 variant alleles.
Comment: ABCC2: BP4, BS2